The following is an entry in ClinVar:

ClinVar aggregate classification (germline): Uncertain significance (0 of 4 stars; one submission).

Conditions:
GNAS-related disorder. Identifiers: MedGen CN380105.

Allele frequency attached by ClinVar (database versions not stated): gnomAD 0.00001; gnomAD exomes below 0.00001.
gnomAD v4.1: 2 of 1,605,218 alleles (0.00012%); highest among the groups gnomAD compares: East Asian, 0.0045%; no homozygotes.

Submission:

PreventionGenetics, part of Exact Sciences
Classification: Uncertain significance for GNAS-related condition. Last evaluated: 2024-02-20. Review status: no assertion criteria provided. Collection method: clinical testing. Allele origin: germline.
Comment: The GNAS c.631A>G variant is predicted to result in the amino acid substitution p.Lys211Glu. To our knowledge, this variant has not been reported in the literature. This variant is reported in 0.064% of alleles in individuals of East Asian descent in gnomAD, which may be too common to be a primary cause of disease. Although we suspect that this variant may be benign, at this time, the clinical significance of this variant is uncertain due to the absence of conclusive functional and genetic evidence.

NM_016592.5(GNAS):c.631A>G (p.Lys211Glu)

Genes: GNAS (GNAS complex locus; plus strand), GNAS-AS1 (GNAS antisense RNA 1; minus strand). Cytogenetic location: 20q13.32.
Variant type: single nucleotide variant.
Coding change: c.631A>G on transcript NM_016592.5 (MANE Plus Clinical); coding-DNA position 631, A replaced by G.
Protein change: p.Lys211Glu; replaces lysine 211 with glutamic acid.
Molecular consequence: missense variant. On other transcripts: 5 prime UTR variant (1).
Genome position (GRCh38, 1-based): chr20:58,840,737, A>G. VCF-style: chr20-58840737-A-G. GRCh37 (hg19) VCF-style: chr20-57415792-A-G.
Other names: c.-107A>G (NM_001410912.1); short protein forms K211E.
Identifiers: ClinVar variation 2634429 (VCV002634429.3), dbSNP rs1568908679, ClinGen allele CA409453096.